The following is an entry in ClinVar:

ClinVar aggregate classification (germline): Likely benign. Review status: criteria provided, multiple submitters, no conflicts (2 of 4 stars). 2 submissions from 2 submitters: Likely benign (2). Last evaluated 2025-01-01.

gnomAD v4.1: 15 of 1,614,030 alleles (0.00093%); highest among the groups gnomAD compares: Middle Eastern, 0.016%; no homozygotes.

Submissions (2):

CeGaT Center for Human Genetics Tuebingen
Classification: Likely benign. Last evaluated: 2025-01-01. Review status: criteria provided, single submitter. Criteria: CeGaT Center For Human Genetics Tuebingen Variant Classification Criteria Version 2. Collection method: clinical testing. Allele origin: germline. Affected: yes. Observed: 1 variant allele.
Comment: ANK1: BP4, BP7

Blueprint Genetics
Classification: Likely benign. Last evaluated: 2024-08-14. Review status: criteria provided, single submitter. Criteria: ACMG Guidelines, 2015. Collection method: clinical testing. Allele origin: germline.

NM_000037.4(ANK1):c.4140G>A (p.Thr1380=)

Gene: ANK1 (ankyrin 1; minus strand). Cytogenetic location: 8p11.21.
Variant type: single nucleotide variant.
Coding change: c.4140G>A on transcript NM_000037.4 (MANE Select); coding-DNA position 4140, G replaced by A.
Protein change: p.Thr1380=; no amino-acid change (threonine 1380 retained).
Molecular consequence: synonymous variant.
Genome position (GRCh38, 1-based): chr8:41,688,554, C>T on the plus strand (G>A on the coding strand, the complement: ANK1 is on the minus strand). VCF-style: chr8-41688554-C-T. GRCh37 (hg19) VCF-style: chr8-41546072-C-T.
Other names: c.4263G>A, p.Thr1421= (NM_001142446.2); c.4140G>A, p.Thr1380= (NM_020475.3, NM_020476.3, NM_020477.3).
Identifiers: ClinVar variation 3771290 (VCV003771290.14).